The following is an entry in ClinVar:

ClinVar aggregate classification (germline): Uncertain significance (1 of 4 stars; one submission).

Conditions:
Alstrom syndrome (ALMS). Identifiers: Orphanet 64, MedGen C0268425, MONDO:0008763, OMIM 203800.

Submission:

Labcorp Genetics (formerly Invitae), Labcorp
Classification: Uncertain significance for Alstrom syndrome. Last evaluated: 2022-01-19. Review status: criteria provided, single submitter. Criteria: Invitae Variant Classification Sherloc (09022015). Collection method: clinical testing. Allele origin: germline.
Comment: This sequence change replaces proline, which is neutral and non-polar, with arginine, which is basic and polar, at codon 1118 of the ALMS1 protein (p.Pro1118Arg). This variant is not present in population databases (gnomAD no frequency). This variant has not been reported in the literature in individuals affected with ALMS1-related conditions. Experimental studies and prediction algorithms are not available or were not evaluated, and the functional significance of this variant is currently unknown. In summary, the available evidence is currently insufficient to determine the role of this variant in disease. Therefore, it has been classified as a Variant of Uncertain Significance.

NM_001378454.1(ALMS1):c.3350C>G (p.Pro1117Arg)

Gene: ALMS1 (ALMS1 centrosome and basal body associated protein; plus strand). Cytogenetic location: 2p13.1.
Variant type: single nucleotide variant.
Coding change: c.3350C>G on transcript NM_001378454.1 (MANE Select); coding-DNA position 3350, C replaced by G.
Protein change: p.Pro1117Arg; replaces proline 1117 with arginine.
Molecular consequence: missense variant.
Genome position (GRCh38, 1-based): chr2:73,449,877, C>G. VCF-style: chr2-73449877-C-G. GRCh37 (hg19) VCF-style: chr2-73677004-C-G.
Other names: c.3353C>G, p.Pro1118Arg (NM_015120.4); short protein forms P1117R, P1118R.
Identifiers: ClinVar variation 2087845 (VCV002087845.1), dbSNP rs2466097868, ClinGen allele CA347275290.